The following is an entry in ClinVar:

ClinVar aggregate classification (germline): Pathogenic (1 of 4 stars; one submission).

Conditions:
Ataxia-telangiectasia syndrome (AT). Also called: Ataxia-telangiectasia, complementation group D; ATAXIA-TELANGIECTASIA, COMPLEMENTATION GROUP A; ATAXIA-TELANGIECTASIA, FRESNO VARIANT; Ataxia-telangiectasia; Ataxia telangiectasia (A-T); Cerebello-oculocutaneous telangiectasia. Identifiers: Orphanet 100, MedGen C0004135, MONDO:0008840, OMIM 208900.

Submission:

Labcorp Genetics (formerly Invitae), Labcorp
Classification: Pathogenic for Ataxia-telangiectasia syndrome. Last evaluated: 2022-09-28. Review status: criteria provided, single submitter. Criteria: Invitae Variant Classification Sherloc (09022015). Collection method: clinical testing. Allele origin: germline.
Comment: For these reasons, this variant has been classified as Pathogenic. This variant has not been reported in the literature in individuals affected with ATM-related conditions. This variant is not present in population databases (gnomAD no frequency). This sequence change creates a premature translational stop signal (p.His1876Alafs*36) in the ATM gene. It is expected to result in an absent or disrupted protein product. Loss-of-function variants in ATM are known to be pathogenic (PMID: 23807571, 25614872).

Literature cited by the submitters: PubMed 23807571; PubMed 25614872.

NM_000051.4(ATM):c.5626_5641del (p.His1876fs)

Gene: ATM (ATM serine/threonine kinase; plus strand). Cytogenetic location: 11q22.3.
Variant type: Deletion.
Coding change: c.5626_5641del on transcript NM_000051.4 (MANE Select); coding-DNA positions 5626 to 5641, 16 bases deleted (CACTTCTCGCAAACGA).
Protein change: p.His1876fs; shifts the reading frame from histidine 1876.
Molecular consequence: frameshift variant.
Genome position (GRCh38, 1-based): chr11:108,304,804-108,304,819, CACTTCTCGCAAACGA deleted; deleting any 16 consecutive bases within chr11:108,304,801-108,304,819 gives the same sequence; the c. name uses the placement nearest the transcript's 3' end. VCF-style (leftmost placement, unchanged base first): chr11-108304800-TCGACACTTCTCGCAAA-T. GRCh37 (hg19) VCF-style: chr11-108175527-TCGACACTTCTCGCAAA-T.
Other names: c.5626_5641del, p.His1876fs (NM_001351834.2); short protein forms H1876fs.
Identifiers: ClinVar variation 2033271 (VCV002033271.4), dbSNP rs2546988048, ClinGen allele CA2580083400.
Genomic context (GRCh38, chr11:108,304,800, plus strand): 5'-AAATGAATCATGGAGAAATCTGCTTTCTACACATGTTCAGGGATTTTTCACCAGCTGTCT[TCGACACTTCTCGCAAA>T]CGAGCCGATCCACAACCCCTGCAAACTTGGATTCAGGTATTCTATTAAATTTTTAACATT-3'